The following is an entry in ClinVar:

ClinVar aggregate classification (germline): Likely pathogenic. Review status: criteria provided, multiple submitters, no conflicts (2 of 4 stars). 2 submissions from 2 submitters: Likely pathogenic (2). Last evaluated 2024-08-14.

Conditions:
Diffuse cerebral and cerebellar atrophy - intractable seizures - progressive microcephaly syndrome. Also called: Microcephaly, progressive, with seizures and cerebral and cerebellar atrophy. Identifiers: Orphanet 404437, MedGen C4014239, MONDO:0014335, OMIM 615760.

Allele frequency attached by ClinVar (database versions not stated): TOPMed below 0.00001; gnomAD 0.00001.
gnomAD v4.1: 1 of 1,614,112 alleles (0.000062%); highest among the groups gnomAD compares: African/African-American, 0.0013%; no homozygotes.

Submissions (2):

GeneDx
Classification: Likely pathogenic. Last evaluated: 2024-08-14. Review status: criteria provided, single submitter. Criteria: GeneDx Variant Classification Process June 2021. Collection method: clinical testing. Allele origin: germline. Affected: yes.
Comment: Canonical splice site variant predicted to result in a null allele in a gene for which loss of function is a known mechanism of disease; Not observed at significant frequency in large population cohorts (gnomAD); Has not been previously published as pathogenic or benign to our knowledge

Labcorp Genetics (formerly Invitae), Labcorp
Classification: Likely pathogenic for Diffuse cerebral and cerebellar atrophy - intractable seizures - progressive microcephaly syndrome. Last evaluated: 2024-04-02. Review status: criteria provided, single submitter. Criteria: Invitae Variant Classification Sherloc (09022015). Collection method: clinical testing. Allele origin: germline.
Comment: This sequence change affects a donor splice site in intron 13 of the QARS gene. It is expected to disrupt RNA splicing. Variants that disrupt the donor or acceptor splice site typically lead to a loss of protein function (PMID: 16199547), and loss-of-function variants in QARS are known to be pathogenic (PMID: 24656866, 25471517). This variant is not present in population databases (gnomAD no frequency). This variant has not been reported in the literature in individuals affected with QARS-related conditions. ClinVar contains an entry for this variant (Variation ID: 1066013). Algorithms developed to predict the effect of sequence changes on RNA splicing suggest that this variant may disrupt the consensus splice site. In summary, the currently available evidence indicates that the variant is pathogenic, but additional data are needed to prove that conclusively. Therefore, this variant has been classified as Likely Pathogenic.

Literature cited by the submitters: PubMed 16199547 (cited by Labcorp Genetics (formerly Invitae), Labcorp); PubMed 24656866 (cited by Labcorp Genetics (formerly Invitae), Labcorp); PubMed 25471517 (cited by Labcorp Genetics (formerly Invitae), Labcorp).

NM_005051.3(QARS1):c.1164+1G>C

Gene: QARS1 (glutaminyl-tRNA synthetase 1; minus strand). Cytogenetic location: 3p21.31.
Variant type: single nucleotide variant.
Coding change: c.1164+1G>C on transcript NM_005051.3 (MANE Select); the canonical splice donor site of the intron after coding-DNA position 1164, G replaced by C.
Molecular consequence: splice donor variant.
Genome position (GRCh38, 1-based): chr3:49,100,189, C>G on the plus strand (G>C on the coding strand, the complement: QARS1 is on the minus strand). VCF-style: chr3-49100189-C-G. GRCh37 (hg19) VCF-style: chr3-49137622-C-G.
Other names: c.1131+1G>C (NM_001272073.2).
Identifiers: ClinVar variation 1066013 (VCV001066013.6), dbSNP rs1262558494, ClinGen allele CA352709848.